The following is an entry in ClinVar:

ClinVar aggregate classification (germline): Likely benign (0 of 4 stars; one submission).

Conditions:
SEMA3G-related disorder. Also called: SEMA3G-related condition.

Submission:

PreventionGenetics, part of Exact Sciences
Classification: Likely benign for SEMA3G-related condition. Last evaluated: 2024-02-16. Review status: no assertion criteria provided. Collection method: clinical testing. Allele origin: germline.
Comment: This variant is classified as likely benign based on ACMG/AMP sequence variant interpretation guidelines (Richards et al. 2015 PMID: 25741868, with internal and published modifications).

NM_020163.3(SEMA3G):c.2289G>A (p.Lys763=)

Gene: SEMA3G (semaphorin 3G; minus strand). Cytogenetic location: 3p21.1.
Variant type: single nucleotide variant.
Coding change: c.2289G>A on transcript NM_020163.3 (MANE Select); coding-DNA position 2289, G replaced by A.
Protein change: p.Lys763=; no amino-acid change (lysine 763 retained).
Molecular consequence: synonymous variant.
Genome position (GRCh38, 1-based): chr3:52,435,663, C>T on the plus strand (G>A on the coding strand, the complement: SEMA3G is on the minus strand). VCF-style: chr3-52435663-C-T. GRCh37 (hg19) VCF-style: chr3-52469679-C-T.
Identifiers: ClinVar variation 3348571 (VCV003348571.1).